The following is an entry in ClinVar:

ClinVar aggregate classification (germline): Uncertain significance (1 of 4 stars; one submission).

Conditions:
Hereditary cancer-predisposing syndrome. Also called: Neoplastic Syndromes, Hereditary; Tumor predisposition; Hereditary Cancer Syndrome; Hereditary neoplastic syndrome. Identifiers: Orphanet 140162, MedGen C0027672, MeSH D009386, MONDO:0015356.

Submission:

Ambry Genetics
Classification: Uncertain significance for Hereditary cancer-predisposing syndrome. Last evaluated: 2026-06-09. Review status: criteria provided, single submitter. Criteria: Ambry Variant Classification Scheme 2023. Collection method: clinical testing. Allele origin: germline.
Comment: The p.N2781D variant (also known as c.8341A>G), located in coding exon 18 of the BRCA2 gene, results from an A to G substitution at nucleotide position 8341. The asparagine at codon 2781 is replaced by aspartic acid, an amino acid with highly similar properties. Two saturation genome editing-based studies, including a haploid cell-survival assay and a humanized mouse embryonic stem cell line assay of drug response and survival, demonstrate that this nucleotide substitution may be non-functional; however, additional evidence is needed to confirm these findings (Huang H et al. Nature. 2025 Feb;638(8050):528-537; Sahu S et al. Nature. 2025 Feb;638(8050):538-545). This amino acid position is highly conserved in available vertebrate species. In addition, the in silico prediction for this alteration is inconclusive. Based on the available evidence, the clinical significance of this variant remains unclear.

NM_000059.4(BRCA2):c.8341A>G (p.Asn2781Asp)

Gene: BRCA2 (BRCA2 DNA repair associated; plus strand). Cytogenetic location: 13q13.1.
Variant type: single nucleotide variant.
Coding change: c.8341A>G on transcript NM_000059.4 (MANE Select); coding-DNA position 8341, A replaced by G.
Protein change: p.Asn2781Asp; replaces asparagine 2781 with aspartic acid.
Molecular consequence: missense variant. On other transcripts: non-coding transcript variant (1).
Genome position (GRCh38, 1-based): chr13:32,370,411, A>G. VCF-style: chr13-32370411-A-G. GRCh37 (hg19) VCF-style: chr13-32944548-A-G.
Other names: c.8245A>G, p.Asn2749Asp (NM_001406719.1); c.8341A>G, p.Asn2781Asp (NM_001406720.1, NM_001432077.1); c.3409A>G, p.Asn1137Asp (NM_001406721.1); c.1924A>G, p.Asn642Asp (NM_001406722.1); short protein forms N1137D, N2749D, N2781D, N642D.
Identifiers: ClinVar variation 4867756 (VCV004867756.1).